The following is an entry in ClinVar:

NM_000540.3(RYR1):c.2701del (p.Arg901fs)

Gene: RYR1 (ryanodine receptor 1; plus strand). Cytogenetic location: 19q13.2.
Variant type: Deletion.
Coding change: c.2701del on transcript NM_000540.3 (MANE Select); coding-DNA position 2701, one base deleted (A; older notation c.2701delA).
Protein change: p.Arg901fs; shifts the reading frame from arginine 901.
Molecular consequence: frameshift variant.
Genome position (GRCh38, 1-based): chr19:38,463,765, A deleted. VCF-style (leftmost placement, unchanged base first): chr19-38463764-GA-G. GRCh37 (hg19) VCF-style: chr19-38954404-GA-G.
Other names: c.2701del, p.Arg901fs (NM_001042723.2); short protein forms R901fs.
Identifiers: ClinVar variation 4758564 (VCV004758564.1).
Genomic context (GRCh38, chr19:38,463,764, plus strand): 5'-AAGGAAAGGGGAGCACATGGAGTTGACCCTGGGTTTTCTCCAGGTTCGGGATGACAACAA[GA>G]GGCTGCACCCGTGTCTTGTGGACTTCCACAGCCTTCCAGAGCCTGAGAGGAACTACAACC-3'

ClinVar aggregate classification (germline): Uncertain significance (1 of 4 stars; one submission).

Conditions:
Malignant hyperthermia, susceptibility to, 1 (MHS1). Also called: RYR1-Related Malignant Hyperthermia Susceptibility; Malignant hyperthermia suceptibility 1; Anesthesia related hyperthermia; Malignant hyperpyrexia; Fulminating hyperpyrexia; Pharmacogenic myopathy. Identifiers: Orphanet 423, MedGen C2930980, MONDO:0007783, OMIM 145600.

Submission:

Color Diagnostics, LLC DBA Color Health
Classification: Uncertain significance for Malignant hyperthermia, susceptibility to, 1. Last evaluated: 2025-09-05. Review status: criteria provided, single submitter. Criteria: ACMG Guidelines, 2015. Collection method: clinical testing. Allele origin: germline.
Comment: This variant deletes 1 nucleotide in exon 22 of the RYR1 gene, creating a frameshift and premature translation stop signal. This variant is expected to result in an absent or non-functional protein product. To our knowledge, this variant has not been reported in individuals affected with RYR1-related disorders in the literature. This variant has not been identified in the general population by the Genome Aggregation Database (gnomAD). Loss of RYR1 gene function due to haploinsufficiency is not an established disease mechanism for autosomal dominant malignant hyperthermia susceptibility. Therefore, this variant is classified as a Variant of Uncertain Significance.